The following is an entry in ClinVar:

NM_001267052.2(UNC45B):c.2374G>A (p.Val792Ile)

Gene: UNC45B (unc-45 myosin chaperone B; plus strand). Cytogenetic location: 17q12.
Variant type: single nucleotide variant.
Coding change: c.2374G>A on transcript NM_001267052.2 (MANE Select); coding-DNA position 2374, G replaced by A.
Protein change: p.Val792Ile; replaces valine 792 with isoleucine.
Molecular consequence: missense variant.
Genome position (GRCh38, 1-based): chr17:35,183,427, G>A. VCF-style: chr17-35183427-G-A. GRCh37 (hg19) VCF-style: chr17-33510446-G-A.
Other names: c.2374G>A, p.Val792Ile (NM_001033576.2); c.2137G>A, p.Val713Ile (NM_001308281.1); c.2380G>A, p.Val794Ile (NM_173167.3); short protein forms V713I, V792I, V794I.
Identifiers: ClinVar variation 3775861 (VCV003775861.1).
Genomic context (GRCh38, chr17:35,183,427, plus strand): 5'-CTCTTCAGGCTGGGCAGATTGGGGACAGTTTTCTCTGAGCCATGTTCCTGCCTCCCACAG[G>A]TACAGGAAAGGTTCTTGGCTGACGGGAATGACCGGCTGAAGCTGGTGGTGCTGCTCTGCG-3'
Protein context (NP_001253981.1, residues 782-802): CMCNMVLHKE[Val792Ile]QERFLADGND

ClinVar aggregate classification (germline): Uncertain significance (1 of 4 stars; one submission).

Conditions:
Myofibrillar myopathy 11. Also called: MYOPATHY, CONGENITAL, WITH ECCENTRIC CORES. Identifiers: MedGen C5543038, MONDO:0030927, OMIM 619178.

gnomAD v4.1: 11 of 1,568,068 alleles (0.0007%); highest among the groups gnomAD compares: East Asian, 0.016%; no homozygotes.

Submission:

3billion
Classification: Uncertain significance for Myofibrillar myopathy 11. Last evaluated: 2023-07-11. Review status: criteria provided, single submitter. Criteria: ACMG Guidelines, 2015. Collection method: clinical testing. Allele origin: germline. Affected: yes.
Comment: The variant is observed at an extremely low frequency in the gnomAD v2.1.1 dataset (total allele frequency: 0.005%). Predicted Consequence/Location: Missense changes are a common disease-causing mechanism. In silico tool predictions suggest no damaging effect of the variant on gene or gene product (REVEL: 0.12; 3Cnet: 0.02). Therefore, this variant is classified as VUS according to the recommendation of ACMG/AMP guideline.